The following is an entry in ClinVar:

NM_007294.4(BRCA1):c.3812_3816delinsATATTGGTAATATTGGCAAATGACTG (p.Ser1271_Asn1272delinsAsnIleGlyAsnIleGlyLysTer)

Genes: BRCA1 (BRCA1 DNA repair associated; minus strand), LOC126862571 (BRD4-independent group 4 enhancer GRCh37_chr17:41243136-41244335; plus strand). Cytogenetic location: 17q21.31.
Variant type: Indel.
Coding change: c.3812_3816delinsATATTGGTAATATTGGCAAATGACTG on transcript NM_007294.4 (MANE Select); coding-DNA positions 3812 to 3816, GTAAC replaced by ATATTGGTAATATTGGCAAATGACTG.
Protein change: p.Ser1271_Asn1272delinsAsnIleGlyAsnIleGlyLysTer.
Molecular consequence: nonsense. On other transcripts: intron variant (135).
Genome position (GRCh38, 1-based): chr17:43,091,715-43,091,719, GTTAC replaced by CAGTCATTTGCCAATATTACCAATAT on the plus strand (GTAAC replaced by ATATTGGTAATATTGGCAAATGACTG on the coding strand, the reverse complement: BRCA1 is on the minus strand). VCF-style: chr17-43091715-GTTAC-CAGTCATTTGCCAATATTACCAATAT. GRCh37 (hg19) VCF-style: chr17-41243732-GTTAC-CAGTCATTTGCCAATATTACCAATAT.
Other names: c.587-687_587-683delinsATATTGGTAATATTGGCAAATGACTG (NM_001408476.1, NM_001408474.1); c.710-687_710-683delinsATATTGGTAATATTGGCAAATGACTG (NM_001408409.1, NM_001408414.1, NM_001408411.1 and 2 more transcripts); c.575-687_575-683delinsATATTGGTAATATTGGCAAATGACTG (NM_001408493.1, NM_001408490.1, NM_001408491.1); c.455-687_455-683delinsATATTGGTAATATTGGCAAATGACTG (NM_001408502.1); c.578-687_578-683delinsATATTGGTAATATTGGCAAATGACTG (NM_001408489.1, NM_001408479.1, NM_001408482.1 and 9 more transcripts); c.662-687_662-683delinsATATTGGTAATATTGGCAAATGACTG (NM_001408445.1, NM_001408432.1, NM_001408448.1 and 6 more transcripts); c.668-687_668-683delinsATATTGGTAATATTGGCAAATGACTG (NM_001408431.1, NM_001408424.1, NM_001408421.1); c.785-687_785-683delinsATATTGGTAATATTGGCAAATGACTG (NM_001408407.1, NM_001408402.1, NM_001408473.1 and 13 more transcripts); and 41 more.
Identifiers: ClinVar variation 4294278 (VCV004294278.1).

ClinVar aggregate classification (germline): Pathogenic (1 of 4 stars; one submission).

Conditions:
Breast-ovarian cancer, familial, susceptibility to, 1 (BROVCA1). Also called: BRCA1 Hereditary Breast and Ovarian Cancer; OVARIAN CANCER, SUSCEPTIBILITY TO. Identifiers: Orphanet 145, MedGen C2676676, MONDO:0011450, OMIM 604370. Disease mechanism: loss of function.

Submission:

Myriad Genetics, Inc.
Classification: Pathogenic for Breast-ovarian cancer, familial, susceptibility to, 1. Last evaluated: 2025-09-29. Review status: criteria provided, single submitter. Criteria: Myriad Autosomal Dominant, Autosomal Recessive and X-Linked Classification Criteria (2023). Collection method: clinical testing. Allele origin: unknown.
Comment: This variant is considered pathogenic. This variant creates a termination codon and is predicted to result in premature protein truncation.